The following is an entry in ClinVar:

ClinVar aggregate classification (germline): Benign (1 of 4 stars; one submission).

Allele frequency attached by ClinVar (database versions not stated): 1000 Genomes Project 30x 0.41037; TOPMed 0.40374; gnomAD 0.40200 and 0.40612; 1000 Genomes Project 0.41154.
gnomAD v4.1: 61,804 of 152,010 alleles (41%); highest among the groups gnomAD compares: East Asian, 56%; 12,926 homozygotes.

Submissions (9):

GeneDx
Classification: Benign. Last evaluated: 2018-06-14. Review status: criteria provided, single submitter. Criteria: GeneDx Variant Classification (06012015). Collection method: clinical testing. Allele origin: germline. Affected: yes.
Comment: This variant is considered likely benign or benign based on one or more of the following criteria: it is a conservative change, it occurs at a poorly conserved position in the protein, it is predicted to be benign by multiple in silico algorithms, and/or has population frequency not consistent with disease.

Dr. Peter K. Rogan Lab, Western University
No classification provided (evidence only). Condition: Lung cancer. Review status: no classification provided. Collection method: in vitro. Allele origin: not applicable. Functional consequence: retained intron. Not counted in ClinVar's aggregate classification.

Dr. Peter K. Rogan Lab, Western University
No classification provided (evidence only). Condition: Cholangiocarcinoma. Review status: no classification provided. Collection method: in vitro. Allele origin: not applicable. Functional consequence: retained intron. Not counted in ClinVar's aggregate classification.

Dr. Peter K. Rogan Lab, Western University
No classification provided (evidence only). Condition: Uterine carcinosarcoma. Review status: no classification provided. Collection method: in vitro. Allele origin: not applicable. Functional consequence: retained intron. Not counted in ClinVar's aggregate classification.

Dr. Peter K. Rogan Lab, Western University
No classification provided (evidence only). Condition: Uterine carcinosarcoma. Review status: no classification provided. Collection method: in vitro. Allele origin: not applicable. Functional consequence: retained intron. Not counted in ClinVar's aggregate classification.

Dr. Peter K. Rogan Lab, Western University
No classification provided (evidence only). Condition: Malignant tumor of esophagus. Review status: no classification provided. Collection method: in vitro. Allele origin: not applicable. Functional consequence: retained intron. Not counted in ClinVar's aggregate classification.

Dr. Peter K. Rogan Lab, Western University
No classification provided (evidence only). Condition: Malignant tumor of esophagus. Review status: no classification provided. Collection method: in vitro. Allele origin: not applicable. Functional consequence: retained intron. Not counted in ClinVar's aggregate classification.

Dr. Peter K. Rogan Lab, Western University
No classification provided (evidence only). Condition: Malignant tumor of esophagus. Review status: no classification provided. Collection method: in vitro. Allele origin: not applicable. Functional consequence: retained intron. Not counted in ClinVar's aggregate classification.

Dr. Peter K. Rogan Lab, Western University
No classification provided (evidence only). Condition: Malignant tumor of esophagus. Review status: no classification provided. Collection method: in vitro. Allele origin: not applicable. Functional consequence: retained intron. Not counted in ClinVar's aggregate classification.

NM_182943.3(PLOD2):c.615+294A>G

Gene: PLOD2 (procollagen-lysine,2-oxoglutarate 5-dioxygenase 2; minus strand). Cytogenetic location: 3q24.
Variant type: single nucleotide variant.
Coding change: c.615+294A>G on transcript NM_182943.3 (MANE Select); 294 bases into the intron after coding-DNA position 615, A replaced by G.
Molecular consequence: intron variant.
Genome position (GRCh38, 1-based): chr3:146,106,238, T>C on the plus strand (A>G on the coding strand, the complement: PLOD2 is on the minus strand). VCF-style: chr3-146106238-T-C. GRCh37 (hg19) VCF-style: chr3-145824025-T-C.
Other names: NC_000003.11:g.145824025T>C; c.615+294A>G (NM_000935.3).
Identifiers: ClinVar variation 671512 (VCV000671512.2), dbSNP rs9289713, ClinGen allele CA11512912.